The following is an entry in ClinVar:

ClinVar aggregate classification (germline): Uncertain significance (1 of 4 stars; one submission).

Conditions:
Adams-Oliver syndrome 5 (AOS5). Identifiers: Orphanet 974, MedGen C4014970, MONDO:0014459, OMIM 616028.

Submission:

Labcorp Genetics (formerly Invitae), Labcorp
Classification: Uncertain significance for Adams-Oliver syndrome 5. Last evaluated: 2022-07-06. Review status: criteria provided, single submitter. Criteria: Invitae Variant Classification Sherloc (09022015). Collection method: clinical testing. Allele origin: germline.
Comment: This sequence change replaces valine, which is neutral and non-polar, with leucine, which is neutral and non-polar, at codon 810 of the NOTCH1 protein (p.Val810Leu). In summary, the available evidence is currently insufficient to determine the role of this variant in disease. Therefore, it has been classified as a Variant of Uncertain Significance. Advanced modeling of protein sequence and biophysical properties (such as structural, functional, and spatial information, amino acid conservation, physicochemical variation, residue mobility, and thermodynamic stability) performed at Invitae indicates that this missense variant is not expected to disrupt NOTCH1 protein function. ClinVar contains an entry for this variant (Variation ID: 1388167). This variant has not been reported in the literature in individuals affected with NOTCH1-related conditions. This variant is not present in population databases (gnomAD no frequency).

NM_017617.5(NOTCH1):c.2428G>C (p.Val810Leu)

Gene: NOTCH1 (notch receptor 1; minus strand). Cytogenetic location: 9q34.3.
Variant type: single nucleotide variant.
Coding change: c.2428G>C on transcript NM_017617.5 (MANE Select); coding-DNA position 2428, G replaced by C.
Protein change: p.Val810Leu; replaces valine 810 with leucine.
Molecular consequence: missense variant.
Genome position (GRCh38, 1-based): chr9:136,513,060, C>G on the plus strand (G>C on the coding strand, the complement: NOTCH1 is on the minus strand). VCF-style: chr9-136513060-C-G. GRCh37 (hg19) VCF-style: chr9-139407512-C-G.
Other names: short protein forms V810L.
Identifiers: ClinVar variation 1388167 (VCV001388167.6), dbSNP rs948647691, ClinGen allele CA375556456.